The following is an entry in ClinVar:

NM_000349.3(STAR):c.544C>A (p.Arg182Ser)

Gene: STAR (steroidogenic acute regulatory protein; minus strand). Cytogenetic location: 8p11.23.
Variant type: single nucleotide variant.
Coding change: c.544C>A on transcript NM_000349.3 (MANE Select); coding-DNA position 544, C replaced by A.
Protein change: p.Arg182Ser; replaces arginine 182 with serine.
Molecular consequence: missense variant.
Genome position (GRCh38, 1-based): chr8:38,146,069, G>T on the plus strand (C>A on the coding strand, the complement: STAR is on the minus strand). VCF-style: chr8-38146069-G-T. GRCh37 (hg19) VCF-style: chr8-38003587-G-T.
Other names: short protein forms R182S.
Identifiers: ClinVar variation 3251758 (VCV003251758.2), dbSNP rs369232492.

ClinVar aggregate classification (germline): Likely pathogenic. Review status: criteria provided, multiple submitters, no conflicts (2 of 4 stars). 2 submissions from 2 submitters: Likely pathogenic (2). Last evaluated 2024-04-26.

Conditions:
Congenital lipoid adrenal hyperplasia due to STAR deficency. Also called: Cholesterol monooxygenase (side-chain cleaving) deficiency; Lipoid adrenal hyperplasia; Congenital Lipoid Adrenal Hyperplasia; ADRENAL HYPERPLASIA I. Identifiers: Orphanet 418, Orphanet 90790, MedGen C0342474, MONDO:0008725, OMIM 201710.

Submissions (2):

Fulgent Genetics
Classification: Likely pathogenic for Congenital lipoid adrenal hyperplasia due to STAR deficency. Last evaluated: 2024-04-26. Review status: criteria provided, single submitter. Criteria: ACMG Guidelines, 2015. Collection method: clinical testing. Allele origin: germline.

Women's Health and Genetics/Laboratory Corporation of America, LabCorp
Classification: Likely pathogenic for Congenital lipoid adrenal hyperplasia due to STAR deficency. Last evaluated: 2024-04-23. Review status: criteria provided, single submitter. Criteria: LabCorp Variant Classification Summary - May 2015. Collection method: clinical testing. Allele origin: germline.
Comment: Variant summary: STAR c.544C>A (p.Arg182Ser) results in a non-conservative amino acid change located in the START domain (IPR002913) of the encoded protein sequence. Five of five in-silico tools predict a damaging effect of the variant on protein function. The variant allele was found at a frequency of 4e-06 in 251304 control chromosomes. To our knowledge, no occurrence of c.544C>A in individuals affected with Congenital Lipoid Adrenal Hyperplasia and no experimental evidence demonstrating its impact on protein function have been reported. Multiple different variants affecting the same codon have been classified as pathogenic by our lab (c.545G>T, p.R182L) or in ClinVar (c.545G>A, p.R182H and c.544C>T, p.R182C), supporting the critical relevance of codon 182 to STAR protein function. No submitters have cited clinical-significance assessments for this variant to ClinVar. Based on the evidence outlined above, the variant was classified as likely pathogenic.